The following is an entry in ClinVar:

ClinVar aggregate classification (germline): Pathogenic (0 of 4 stars; one submission).

Conditions:
Fanconi anemia complementation group B (FANCB). Also called: FANCB-Related Fanconi Anemia; FANCONI PANCYTOPENIA, TYPE 2. Identifiers: Orphanet 84, MedGen C1845292, MONDO:0010351, OMIM 300514.

Submission:

Leiden Open Variation Database
Classification: Pathogenic for Fanconi anemia complementation group B. Last evaluated: 2020-02-28. Review status: no assertion criteria provided. Collection method: curation. Allele origin: germline. Affected: yes.
Comment: Curator: Arleen D. Auerbach. Submitter to LOVD: Arleen D. Auerbach.

NM_001018113.3(FANCB):c.949C>T (p.Gln317Ter)

Gene: FANCB (FA complementation group B; minus strand). Cytogenetic location: Xp22.2.
Variant type: single nucleotide variant.
Coding change: c.949C>T on transcript NM_001018113.3 (MANE Select); coding-DNA position 949, C replaced by T.
Protein change: p.Gln317Ter; replaces glutamine 317 with a stop codon.
Molecular consequence: nonsense.
Genome position (GRCh38, 1-based): chrX:14,864,562, G>A on the plus strand (C>T on the coding strand, the complement: FANCB is on the minus strand). VCF-style: chrX-14864562-G-A. GRCh37 (hg19) VCF-style: chrX-14882684-G-A.
Other names: c.949C>T, p.Gln317Ter (NM_001324162.2, NM_152633.4); short protein forms Q317*.
Identifiers: ClinVar variation 691302 (VCV000691302.2), dbSNP rs1602005062, ClinGen allele CA412443345.